The following is an entry in ClinVar:

NM_016292.3(TRAP1):c.448G>A (p.Glu150Lys)

Gene: TRAP1 (TNF receptor associated protein 1; minus strand). Cytogenetic location: 16p13.3.
Variant type: single nucleotide variant.
Coding change: c.448G>A on transcript NM_016292.3 (MANE Select); coding-DNA position 448, G replaced by A.
Protein change: p.Glu150Lys; replaces glutamic acid 150 with lysine.
Molecular consequence: missense variant.
Genome position (GRCh38, 1-based): chr16:3,686,019, C>T on the plus strand (G>A on the coding strand, the complement: TRAP1 is on the minus strand). VCF-style: chr16-3686019-C-T. GRCh37 (hg19) VCF-style: chr16-3736020-C-T.
Other names: c.289G>A, p.Glu97Lys (NM_001272049.2); short protein forms E150K, E97K.
Identifiers: ClinVar variation 1982048 (VCV001982048.4), dbSNP rs150303324, ClinGen allele CA7868689.
Genomic context (GRCh38, chr16:3,686,019, plus strand): 5'-CCGGGCCTGCCACACGCCTGGACACTGAGGGAGGTACCTGGATGGTGATGGTGCCTTTCT[C>T]GGCATTGGTCTGCAAGTGAATCTCCATTTCTGGCAGTGCTTGGCCGTCAGACACCAGTTT-3'
Protein context (NP_057376.2, residues 140-160): EMEIHLQTNA[Glu150Lys]KGTITIQDTG

ClinVar aggregate classification (germline): Uncertain significance (1 of 4 stars; one submission).

Allele frequency attached by ClinVar (database versions not stated): gnomAD exomes 0.00004; TOPMed 0.00005; ESP Exome Variant Server 0.00008; gnomAD 0.00008; ExAC 0.00016; 1000 Genomes Project 30x 0.00031; 1000 Genomes Project 0.00040.
gnomAD v4.1: 75 of 1,613,976 alleles (0.0046%); highest among the groups gnomAD compares: African/African-American, 0.016%; no homozygotes.

Submission:

Labcorp Genetics (formerly Invitae), Labcorp
Classification: Uncertain significance. Last evaluated: 2022-03-29. Review status: criteria provided, single submitter. Criteria: Invitae Variant Classification Sherloc (09022015). Collection method: clinical testing. Allele origin: germline.
Comment: In summary, the available evidence is currently insufficient to determine the role of this variant in disease. Therefore, it has been classified as a Variant of Uncertain Significance. Algorithms developed to predict the effect of missense changes on protein structure and function (SIFT, PolyPhen-2, Align-GVGD) all suggest that this variant is likely to be tolerated. This variant has not been reported in the literature in individuals affected with TRAP1-related conditions. This variant is present in population databases (rs150303324, gnomAD 0.02%). This sequence change replaces glutamic acid, which is acidic and polar, with lysine, which is basic and polar, at codon 150 of the TRAP1 protein (p.Glu150Lys).